The following is an entry in ClinVar:

NM_014845.6(FIG4):c.775+111A>G

Gene: FIG4 (FIG4 phosphoinositide 5-phosphatase; plus strand). Cytogenetic location: 6q21.
Variant type: single nucleotide variant.
Coding change: c.775+111A>G on transcript NM_014845.6 (MANE Select); 111 bases into the intron after coding-DNA position 775, A replaced by G.
Molecular consequence: intron variant.
Genome position (GRCh38, 1-based): chr6:109,738,564, A>G. VCF-style: chr6-109738564-A-G. GRCh37 (hg19) VCF-style: chr6-110059767-A-G.
Identifiers: ClinVar variation 4874974 (VCV004874974.2).
Genomic context (GRCh38, chr6:109,738,564, plus strand): 5'-ATCAATTTGTAGACAGCTACATATGAATTATATGATTATAATACCACTCTGTGCACCCCA[A>G]CAGGAAAACCTGCCCATGATACTATGTAGCAGAAATACAAAGAAGAATGCAGACTATTTG-3'

ClinVar aggregate classification (germline): Likely benign (1 of 4 stars; one submission).

gnomAD v4.1: 3 of 1,033,118 alleles (0.00029%); highest among the groups gnomAD compares: South Asian, 0.0026%; no homozygotes.

Submission:

CeGaT Center for Human Genetics Tuebingen
Classification: Likely benign. Last evaluated: 2026-05-01. Review status: criteria provided, single submitter. Criteria: CeGaT Center For Human Genetics Tuebingen Variant Classification Criteria Version 2. Collection method: clinical testing. Allele origin: germline. Affected: yes. Observed: 1 variant allele.
Comment: FIG4: BP4